The following is an entry in ClinVar:

ClinVar aggregate classification (germline): Uncertain significance (1 of 4 stars; one submission).

Conditions:
Norman-Roberts syndrome (LIS2). Also called: Lissencephaly 2 (Norman-Roberts type). Identifiers: Orphanet 89844, MedGen C0796089, MONDO:0009760, OMIM 257320.
Familial temporal lobe epilepsy 7. Identifiers: Orphanet 101046, MedGen C4225327, MONDO:0014639, OMIM 616436.

gnomAD v4.1: 1 of 1,614,088 alleles (0.000062%); no homozygotes.

Submission:

Labcorp Genetics (formerly Invitae), Labcorp
Classification: Uncertain significance for Familial temporal lobe epilepsy 7; Norman-Roberts syndrome. Last evaluated: 2022-08-16. Review status: criteria provided, single submitter. Criteria: Invitae Variant Classification Sherloc (09022015). Collection method: clinical testing. Allele origin: germline.
Comment: This variant is not present in population databases (gnomAD no frequency). This sequence change replaces glutamine, which is neutral and polar, with arginine, which is basic and polar, at codon 166 of the RELN protein (p.Gln166Arg). This variant has not been reported in the literature in individuals affected with RELN-related conditions. ClinVar contains an entry for this variant (Variation ID: 1378620). Algorithms developed to predict the effect of missense changes on protein structure and function are either unavailable or do not agree on the potential impact of this missense change (SIFT: "Deleterious"; PolyPhen-2: "Benign"; Align-GVGD: "Class C0"). In summary, the available evidence is currently insufficient to determine the role of this variant in disease. Therefore, it has been classified as a Variant of Uncertain Significance.

NM_005045.4(RELN):c.497A>G (p.Gln166Arg)

Gene: RELN (reelin; minus strand). Cytogenetic location: 7q22.1.
Variant type: single nucleotide variant.
Coding change: c.497A>G on transcript NM_005045.4 (MANE Select); coding-DNA position 497, A replaced by G.
Protein change: p.Gln166Arg; replaces glutamine 166 with arginine.
Molecular consequence: missense variant.
Genome position (GRCh38, 1-based): chr7:103,776,604, T>C on the plus strand (A>G on the coding strand, the complement: RELN is on the minus strand). VCF-style: chr7-103776604-T-C. GRCh37 (hg19) VCF-style: chr7-103417051-T-C.
Other names: c.497A>G, p.Gln166Arg (NM_173054.3); short protein forms Q166R.
Identifiers: ClinVar variation 1378620 (VCV001378620.6), dbSNP rs2116212190, ClinGen allele CA368930581.